The following is an entry in ClinVar:

ClinVar aggregate classification (germline): Benign. Review status: criteria provided, multiple submitters, no conflicts (2 of 4 stars). 7 submissions from 7 submitters: Benign (6). 1 of the submissions does not count toward it. Last evaluated 2026-02-01.

Conditions:
Joubert syndrome 17 (JBTS17). Identifiers: Orphanet 475, MedGen C3553264, MONDO:0013824, OMIM 614615.

Allele frequency attached by ClinVar (database versions not stated): gnomAD exomes 0.00735; ExAC 0.00854; gnomAD 0.01743 and 0.01816; 1000 Genomes Project 0.01977; TOPMed 0.01979; ESP Exome Variant Server 0.02130; 1000 Genomes Project 30x 0.02202.
gnomAD v4.1: 9,613 of 1,608,220 alleles (0.6%); highest among the groups gnomAD compares: African/African-American, 5.4%; 137 homozygotes.

Submissions (13):

Labcorp Genetics (formerly Invitae), Labcorp
Classification: Benign. Last evaluated: 2026-02-01. Review status: criteria provided, single submitter. Criteria: Invitae Variant Classification Sherloc (09022015). Collection method: clinical testing. Allele origin: germline.

Mayo Clinic Laboratories, Mayo Clinic
Classification: Benign. Last evaluated: 2023-04-03. Review status: criteria provided, single submitter. Criteria: ACMG Guidelines, 2015. Collection method: clinical testing. Allele origin: germline. Observed: 3 variant alleles.

Illumina Laboratory Services, Illumina
Classification: Benign for Joubert syndrome 17. Last evaluated: 2018-01-13. Review status: criteria provided, single submitter. Criteria: ICSL Variant Classification Criteria 13 December 2019. Collection method: clinical testing. Allele origin: germline.
Comment: This variant was observed in the ICSL laboratory as part of a predisposition screen in an ostensibly healthy population. It had not been previously curated by ICSL or reported in the Human Gene Mutation Database (HGMD: prior to June 1st, 2018), and was therefore a candidate for classification through an automated scoring system. Utilizing variant allele frequency, disease prevalence and penetrance estimates, and inheritance mode, an automated score was calculated to assess if this variant is too frequent to cause the disease. Based on the score and internal cut-off values, a variant classified as benign is not then subjected to further curation. The score for this variant resulted in a classification of benign for this disease.

GeneDx
Classification: Benign. Last evaluated: 2016-05-23. Review status: criteria provided, single submitter. Criteria: GeneDx Variant Classification (06012015). Collection method: clinical testing. Allele origin: germline. Affected: yes.
Comment: This variant is considered likely benign or benign based on one or more of the following criteria: it is a conservative change, it occurs at a poorly conserved position in the protein, it is predicted to be benign by multiple in silico algorithms, and/or has population frequency not consistent with disease.

Breakthrough Genomics
Classification: Benign. Review status: criteria provided, single submitter. Criteria: ACMG Guidelines, 2015. Collection method: not provided. Allele origin: germline. Inheritance: Autosomal recessive inheritance. Affected: yes.

PreventionGenetics, part of Exact Sciences
Classification: Benign. Review status: criteria provided, single submitter. Criteria: ACMG Guidelines, 2015. Collection method: clinical testing. Allele origin: germline.

Dr. Peter K. Rogan Lab, Western University
No classification provided (evidence only). Condition: Clear cell carcinoma of kidney. Review status: no classification provided. Collection method: in vitro. Allele origin: not applicable. Functional consequence: retained intron. Not counted in ClinVar's aggregate classification.

Dr. Peter K. Rogan Lab, Western University
No classification provided (evidence only). Condition: Acute myeloid leukemia. Review status: no classification provided. Collection method: in vitro. Allele origin: not applicable. Functional consequence: retained intron. Not counted in ClinVar's aggregate classification.

Dr. Peter K. Rogan Lab, Western University
No classification provided (evidence only). Condition: Acute myeloid leukemia. Review status: no classification provided. Collection method: in vitro. Allele origin: not applicable. Functional consequence: retained intron. Not counted in ClinVar's aggregate classification.

Dr. Peter K. Rogan Lab, Western University
No classification provided (evidence only). Condition: Uterine corpus endometrial carcinoma. Review status: no classification provided. Collection method: in vitro. Allele origin: not applicable. Functional consequence: retained intron. Not counted in ClinVar's aggregate classification.

Dr. Peter K. Rogan Lab, Western University
No classification provided (evidence only). Condition: Uterine corpus endometrial carcinoma. Review status: no classification provided. Collection method: in vitro. Allele origin: not applicable. Functional consequence: retained intron. Not counted in ClinVar's aggregate classification.

Dr. Peter K. Rogan Lab, Western University
No classification provided (evidence only). Condition: Gastric cancer. Review status: no classification provided. Collection method: in vitro. Allele origin: not applicable. Functional consequence: retained intron. Not counted in ClinVar's aggregate classification.

Genetic Services Laboratory, University of Chicago
Classification: Likely benign. Review status: no assertion criteria provided. Collection method: clinical testing. Allele origin: germline. Inheritance: Autosomal recessive inheritance. Not counted in ClinVar's aggregate classification.
Comment: Likely benign based on allele frequency in 1000 Genomes Project or ESP global frequency and its presence in a patient with a rare or unrelated disease phenotype. NOT Sanger confirmed

NM_001384732.1(CPLANE1):c.5900+7G>T

Gene: CPLANE1 (ciliogenesis and planar polarity effector complex subunit 1; minus strand). Cytogenetic location: 5p13.2.
Variant type: single nucleotide variant.
Coding change: c.5900+7G>T on transcript NM_001384732.1 (MANE Select); 7 bases into the intron after coding-DNA position 5900, G replaced by T.
Molecular consequence: intron variant.
Genome position (GRCh38, 1-based): chr5:37,177,614, C>A on the plus strand (G>T on the coding strand, the complement: CPLANE1 is on the minus strand). VCF-style: chr5-37177614-C-A. GRCh37 (hg19) VCF-style: chr5-37177716-C-A.
Other names: p.?; c.5900+7G>T (NM_023073.4).
Identifiers: ClinVar variation 158045 (VCV000158045.23), dbSNP rs78315844, ClinGen allele CA171451.